The following is an entry in ClinVar:

NM_003705.5(SLC25A12):c.905A>G (p.Tyr302Cys)

Gene: SLC25A12 (solute carrier family 25 member 12; minus strand). Cytogenetic location: 2q31.1.
Variant type: single nucleotide variant.
Coding change: c.905A>G on transcript NM_003705.5 (MANE Select); coding-DNA position 905, A replaced by G.
Protein change: p.Tyr302Cys; replaces tyrosine 302 with cysteine.
Molecular consequence: missense variant. On other transcripts: non-coding transcript variant (1).
Genome position (GRCh38, 1-based): chr2:171,826,823, T>C on the plus strand (A>G on the coding strand, the complement: SLC25A12 is on the minus strand). VCF-style: chr2-171826823-T-C. GRCh37 (hg19) VCF-style: chr2-172683333-T-C.
Other names: c.905A>G (NM_003705.3); short protein forms Y302C.
Identifiers: ClinVar variation 854007 (VCV000854007.10), dbSNP rs375126289, ClinGen allele CA1966275.
Genomic context (GRCh38, chr2:171,826,823, plus strand): 5'-TTTTAAGGTGATCATATTTATGAGATTACTCATACCTGTCTCTGAAGTTCTGCCAGGTTG[T>C]AAGGTAAGGCCCCCTCAGCCAATGGGGCTATTCTCTCAATATCTGCCAAAGTCAAGCGCC-3'
Protein context (NP_003696.2, residues 292-312): IAPLAEGALP[Tyr302Cys]NLAELQRQQS

ClinVar aggregate classification (germline): Uncertain significance. Review status: criteria provided, multiple submitters, no conflicts (2 of 4 stars). 2 submissions from 2 submitters: Uncertain significance (2). Last evaluated 2024-12-09.

Conditions:
Inborn genetic diseases. Identifiers: MedGen C0950123, MeSH D030342.

Allele frequency attached by ClinVar (database versions not stated): ExAC 0.00002; gnomAD exomes 0.00002 and 0.00010; gnomAD 0.00003 and 0.00004; TOPMed 0.00003; ESP Exome Variant Server 0.00015.
gnomAD v4.1: 152 of 1,608,458 alleles (0.0095%); highest among the groups gnomAD compares: Non-Finnish European, 0.013%; no homozygotes.

Submissions (2):

Labcorp Genetics (formerly Invitae), Labcorp
Classification: Uncertain significance. Last evaluated: 2024-12-09. Review status: criteria provided, single submitter. Criteria: Invitae Variant Classification Sherloc (09022015). Collection method: clinical testing. Allele origin: germline.
Comment: This sequence change replaces tyrosine, which is neutral and polar, with cysteine, which is neutral and slightly polar, at codon 302 of the SLC25A12 protein (p.Tyr302Cys). This variant is present in population databases (rs375126289, gnomAD 0.005%). This variant has not been reported in the literature in individuals affected with SLC25A12-related conditions. ClinVar contains an entry for this variant (Variation ID: 854007). Invitae Evidence Modeling of protein sequence and biophysical properties (such as structural, functional, and spatial information, amino acid conservation, physicochemical variation, residue mobility, and thermodynamic stability) indicates that this missense variant is expected to disrupt SLC25A12 protein function with a positive predictive value of 80%. In summary, the available evidence is currently insufficient to determine the role of this variant in disease. Therefore, it has been classified as a Variant of Uncertain Significance.

Ambry Genetics
Classification: Uncertain significance for Inborn genetic diseases. Last evaluated: 2022-10-26. Review status: criteria provided, single submitter. Criteria: Ambry Variant Classification Scheme 2023. Collection method: clinical testing. Allele origin: germline.